The following is an entry in ClinVar:

NM_001174147.2(LMX1B):c.163G>A (p.Val55Ile)

Gene: LMX1B (LIM homeobox transcription factor 1 beta; plus strand). Cytogenetic location: 9q33.3.
Variant type: single nucleotide variant.
Coding change: c.163G>A on transcript NM_001174147.2 (MANE Select); coding-DNA position 163, G replaced by A.
Protein change: p.Val55Ile; replaces valine 55 with isoleucine.
Molecular consequence: missense variant.
Genome position (GRCh38, 1-based): chr9:126,615,406, G>A. VCF-style: chr9-126615406-G-A. GRCh37 (hg19) VCF-style: chr9-129377685-G-A.
Other names: c.163G>A, p.Val55Ile (NM_001174146.2, NM_002316.4); short protein forms V55I.
Identifiers: ClinVar variation 3670458 (VCV003670458.2).
Genomic context (GRCh38, chr9:126,615,406, plus strand): 5'-GGCGCTGACGGCCGGGCTTTCGCCCTGTGCGCTACAGGCTCCGACTGCCCGCATCCCGCC[G>A]TCTGCGAGGGCTGCCAGCGGCCCATCTCCGACCGCTTCCTGATGCGAGTCAACGAGTCGT-3'
Protein context (NP_001167618.1, residues 45-65): LLGSDCPHPA[Val55Ile]CEGCQRPISD

ClinVar aggregate classification (germline): Uncertain significance (1 of 4 stars; one submission).

gnomAD v4.1: 1 of 1,604,194 alleles (0.000062%); highest among the groups gnomAD compares: Non-Finnish European, 0.000085%; no homozygotes.

Submission:

Labcorp Genetics (formerly Invitae), Labcorp
Classification: Uncertain significance. Last evaluated: 2024-08-12. Review status: criteria provided, single submitter. Criteria: Invitae Variant Classification Sherloc (09022015). Collection method: clinical testing. Allele origin: germline.
Comment: This sequence change replaces valine, which is neutral and non-polar, with isoleucine, which is neutral and non-polar, at codon 55 of the LMX1B protein (p.Val55Ile). This variant is not present in population databases (gnomAD no frequency). This variant has not been reported in the literature in individuals affected with LMX1B-related conditions. Advanced modeling of protein sequence and biophysical properties (such as structural, functional, and spatial information, amino acid conservation, physicochemical variation, residue mobility, and thermodynamic stability) performed at Invitae indicates that this missense variant is not expected to disrupt LMX1B protein function with a negative predictive value of 80%. In summary, the available evidence is currently insufficient to determine the role of this variant in disease. Therefore, it has been classified as a Variant of Uncertain Significance.